The following is an entry in ClinVar:

ClinVar aggregate classification (germline): Uncertain significance (1 of 4 stars; one submission).

Allele frequency attached by ClinVar (database versions not stated): TOPMed below 0.00001.

Submission:

GeneDx
Classification: Uncertain significance. Last evaluated: 2022-10-21. Review status: criteria provided, single submitter. Criteria: GeneDx Variant Classification Process June 2021. Collection method: clinical testing. Allele origin: germline. Affected: yes.
Comment: Not observed at significant frequency in large population cohorts (gnomAD); In silico analysis supports that this missense variant does not alter protein structure/function; Has not been previously published as pathogenic or benign to our knowledge

NM_004667.6(HERC2):c.8963C>T (p.Thr2988Ile)

Gene: HERC2 (HECT and RLD domain containing E3 ubiquitin protein ligase 2; minus strand). Cytogenetic location: 15q13.1.
Variant type: single nucleotide variant.
Coding change: c.8963C>T on transcript NM_004667.6 (MANE Select); coding-DNA position 8963, C replaced by T.
Protein change: p.Thr2988Ile; replaces threonine 2988 with isoleucine.
Molecular consequence: missense variant.
Genome position (GRCh38, 1-based): chr15:28,179,198, G>A on the plus strand (C>T on the coding strand, the complement: HERC2 is on the minus strand). VCF-style: chr15-28179198-G-A. GRCh37 (hg19) VCF-style: chr15-28424344-G-A.
Other names: short protein forms T2988I.
Identifiers: ClinVar variation 2499761 (VCV002499761.1), dbSNP rs1329894368, ClinGen allele CA391387398.